The following is an entry in ClinVar:

NM_001556.3(IKBKB):c.2220C>A (p.Ser740Arg)

Gene: IKBKB (inhibitor of nuclear factor kappa B kinase subunit beta; plus strand). Cytogenetic location: 8p11.21.
Variant type: single nucleotide variant.
Coding change: c.2220C>A on transcript NM_001556.3 (MANE Select); coding-DNA position 2220, C replaced by A.
Protein change: p.Ser740Arg; replaces serine 740 with arginine.
Molecular consequence: missense variant. On other transcripts: non-coding transcript variant (3).
Genome position (GRCh38, 1-based): chr8:42,330,928, C>A. VCF-style: chr8-42330928-C-A. GRCh37 (hg19) VCF-style: chr8-42188446-C-A.
Other names: c.2028C>A, p.Ser676Arg (NM_001190720.3); c.2043C>A, p.Ser681Arg (NM_001242778.2); short protein forms S681R, S676R, S740R.
Identifiers: ClinVar variation 2720156 (VCV002720156.3), dbSNP rs1441740528, ClinGen allele CA371095186.

ClinVar aggregate classification (germline): Uncertain significance (1 of 4 stars; one submission).

Conditions:
Severe combined immunodeficiency due to IKK2 deficiency. Also called: Immunodeficiency 15; IMMUNODEFICIENCY 15B. Identifiers: Orphanet 397787, MedGen C4747743, MONDO:0014267, OMIM 615592.

Allele frequency attached by ClinVar (database versions not stated): gnomAD exomes below 0.00001.
gnomAD v4.1: 1 of 1,614,180 alleles (0.000062%); highest among the groups gnomAD compares: East Asian, 0.0022%; no homozygotes.

Submission:

Labcorp Genetics (formerly Invitae), Labcorp
Classification: Uncertain significance for Severe combined immunodeficiency due to IKK2 deficiency. Last evaluated: 2023-09-19. Review status: criteria provided, single submitter. Criteria: Invitae Variant Classification Sherloc (09022015). Collection method: clinical testing. Allele origin: germline.
Comment: In summary, the available evidence is currently insufficient to determine the role of this variant in disease. Therefore, it has been classified as a Variant of Uncertain Significance. Advanced modeling of protein sequence and biophysical properties (such as structural, functional, and spatial information, amino acid conservation, physicochemical variation, residue mobility, and thermodynamic stability) performed at Invitae indicates that this missense variant is not expected to disrupt IKBKB protein function. This variant has not been reported in the literature in individuals affected with IKBKB-related conditions. This variant is present in population databases (no rsID available, gnomAD 0.006%). This sequence change replaces serine, which is neutral and polar, with arginine, which is basic and polar, at codon 740 of the IKBKB protein (p.Ser740Arg).